The following is an entry in ClinVar:

NM_025179.4(PLXNA2):c.811G>A (p.Ala271Thr)

Gene: PLXNA2 (plexin A2; minus strand). Cytogenetic location: 1q32.2.
Variant type: single nucleotide variant.
Coding change: c.811G>A on transcript NM_025179.4 (MANE Select); coding-DNA position 811, G replaced by A.
Protein change: p.Ala271Thr; replaces alanine 271 with threonine.
Molecular consequence: missense variant.
Genome position (GRCh38, 1-based): chr1:208,217,112, C>T on the plus strand (G>A on the coding strand, the complement: PLXNA2 is on the minus strand). VCF-style: chr1-208217112-C-T. GRCh37 (hg19) VCF-style: chr1-208390457-C-T.
Other names: c.811G>A (NM_025179.3); short protein forms A271T.
Identifiers: ClinVar variation 3006778 (VCV003006778.4), dbSNP rs761090281, ClinGen allele CA1374019.

ClinVar aggregate classification (germline): Uncertain significance. Review status: criteria provided, multiple submitters, no conflicts (2 of 4 stars). 2 submissions from 2 submitters: Uncertain significance (2). Last evaluated 2026-04-08.

Conditions:
PLXNA2-related disorder. Also called: PLXNA2-related condition.

Allele frequency attached by ClinVar (database versions not stated): gnomAD exomes below 0.00001; TOPMed below 0.00001; ExAC 0.00001.
gnomAD v4.1: 7 of 1,614,144 alleles (0.00043%); highest among the groups gnomAD compares: East Asian, 0.0022%; no homozygotes.

Submissions (2):

PreventionGenetics, part of Exact Sciences
Classification: Uncertain significance for PLXNA2-related condition. Last evaluated: 2026-04-08. Review status: criteria provided, single submitter. Criteria: ACMG Guidelines, 2015. Collection method: clinical testing. Allele origin: germline.
Comment: The PLXNA2 c.811G>A variant is predicted to result in the amino acid substitution p.Ala271Thr. To our knowledge, this variant has not been reported in the literature. This variant is reported in 0.0054% of alleles in individuals of East Asian descent in gnomAD. At this time, the clinical significance of this variant is uncertain due to the absence of conclusive functional and genetic evidence.

Labcorp Genetics (formerly Invitae), Labcorp
Classification: Uncertain significance. Last evaluated: 2023-07-08. Review status: criteria provided, single submitter. Criteria: Invitae Variant Classification Sherloc (09022015). Collection method: clinical testing. Allele origin: germline.
Comment: This variant has not been reported in the literature in individuals affected with PLXNA2-related conditions. This sequence change replaces alanine, which is neutral and non-polar, with threonine, which is neutral and polar, at codon 271 of the PLXNA2 protein (p.Ala271Thr). This variant is present in population databases (rs761090281, gnomAD 0.006%). An algorithm developed to predict the effect of missense changes on protein structure and function (PolyPhen-2) suggests that this variant is likely to be disruptive. In summary, the available evidence is currently insufficient to determine the role of this variant in disease. Therefore, it has been classified as a Variant of Uncertain Significance.